The following is an entry in ClinVar:

ClinVar aggregate classification (germline): Uncertain significance (1 of 4 stars; one submission).

Submission:

GeneDx
Classification: Uncertain significance. Last evaluated: 2026-03-16. Review status: criteria provided, single submitter. Criteria: GeneDx Variant Classification Process June 2021. Collection method: clinical testing. Allele origin: germline.
Comment: In silico analysis supports that this missense variant has a deleterious effect on protein structure/function; Has not been previously published as pathogenic or benign to our knowledge

NM_005475.3(SH2B3):c.1298C>T (p.Ser433Leu)

Gene: SH2B3 (SH2B adaptor protein 3; plus strand). Cytogenetic location: 12q24.12.
Variant type: single nucleotide variant.
Coding change: c.1298C>T on transcript NM_005475.3 (MANE Select); coding-DNA position 1298, C replaced by T.
Protein change: p.Ser433Leu; replaces serine 433 with leucine.
Molecular consequence: missense variant.
Genome position (GRCh38, 1-based): chr12:111,447,717, C>T. VCF-style: chr12-111447717-C-T. GRCh37 (hg19) VCF-style: chr12-111885521-C-T.
Other names: c.692C>T, p.Ser231Leu (NM_001291424.1); short protein forms S231L, S433L.
Identifiers: ClinVar variation 5009304 (VCV005009304.1).